The following is an entry in ClinVar:

NM_017763.6(RNF43):c.84A>C (p.Thr28=)

Gene: RNF43 (ring finger protein 43; minus strand). Cytogenetic location: 17q22.
Variant type: single nucleotide variant.
Coding change: c.84A>C on transcript NM_017763.6 (MANE Select); coding-DNA position 84, A replaced by C.
Protein change: p.Thr28=; no amino-acid change (threonine 28 retained).
Molecular consequence: synonymous variant.
Genome position (GRCh38, 1-based): chr17:58,415,494, T>G on the plus strand (A>C on the coding strand, the complement: RNF43 is on the minus strand). VCF-style: chr17-58415494-T-G. GRCh37 (hg19) VCF-style: chr17-56492855-T-G.
Other names: c.84A>C, p.Thr28= (NM_001305544.3); c.84A>C (NM_017763.4).
Identifiers: ClinVar variation 1540206 (VCV001540206.10), dbSNP rs1244066045, ClinGen allele CA501061454.

ClinVar aggregate classification (germline): Conflicting classifications of pathogenicity. Review status: criteria provided, conflicting classifications (1 of 4 stars). 3 submissions from 3 submitters: Uncertain significance (1); Benign (1); Likely benign (1). Last evaluated 2026-06-29.

Conditions:
Sessile serrated polyposis cancer syndrome (SSPCS). Identifiers: Orphanet 157798, MedGen C4310714, MONDO:0014919, OMIM 617108.

Allele frequency attached by ClinVar (database versions not stated): gnomAD 0.00001; gnomAD exomes below 0.00001 and 0.00001; TOPMed 0.00001.
gnomAD v4.1: 4 of 1,613,392 alleles (0.00025%); highest among the groups gnomAD compares: Non-Finnish European, 0.00034%; no homozygotes.

Submissions (3):

Myriad Genetics, Inc.
Classification: Benign for Sessile serrated polyposis cancer syndrome. Last evaluated: 2026-06-29. Review status: criteria provided, single submitter. Criteria: Myriad Autosomal Dominant, Autosomal Recessive and X-Linked Classification Criteria (2023). Collection method: clinical testing. Allele origin: unknown.
Comment: This variant is considered benign. This variant is a silent/synonymous amino acid change and it is not expected to impact splicing.

Ambry Genetics
Classification: Uncertain significance. Last evaluated: 2026-04-24. Review status: criteria provided, single submitter. Criteria: Ambry Variant Classification Scheme 2023. Collection method: clinical testing. Allele origin: germline.
Comment: The c.84A>C variant (also known as p.T28T), located in coding exon 1 of the RNF43 gene, results from an A to C substitution at nucleotide position 84. This nucleotide substitution does not change the amino acid at codon 28. This nucleotide position is not well conserved in available vertebrate species. In silico splice site analysis for this alteration is inconclusive. Based on the available evidence, the clinical significance of this variant remains unclear.

Labcorp Genetics (formerly Invitae), Labcorp
Classification: Likely benign. Last evaluated: 2021-09-01. Review status: criteria provided, single submitter. Criteria: Invitae Variant Classification Sherloc (09022015). Collection method: clinical testing. Allele origin: germline.